The following is an entry in ClinVar:

ClinVar aggregate classification (germline): Uncertain significance (1 of 4 stars; one submission).

Conditions:
Hypertrophic cardiomyopathy. Also called: HYPERTROPHIC MYOCARDIOPATHY. Identifiers: Orphanet 217569, MedGen C0007194, MeSH D002312, MONDO:0005045, HP:0001639.

Submission:

Labcorp Genetics (formerly Invitae), Labcorp
Classification: Uncertain significance for Hypertrophic cardiomyopathy. Last evaluated: 2019-03-14. Review status: criteria provided, single submitter. Criteria: Invitae Variant Classification Sherloc (09022015). Collection method: clinical testing. Allele origin: germline.
Comment: This sequence change replaces proline with serine at codon 120 of the MYOZ2 protein (p.Pro120Ser). The proline residue is highly conserved and there is a moderate physicochemical difference between proline and serine. This variant is not present in population databases (ExAC no frequency). This variant has not been reported in the literature in individuals with MYOZ2-related conditions. Algorithms developed to predict the effect of missense changes on protein structure and function are either unavailable or do not agree on the potential impact of this missense change (SIFT: "Deleterious"; PolyPhen-2: "Probably Damaging"; Align-GVGD: "Class C0"). In summary, the available evidence is currently insufficient to determine the role of this variant in disease. Therefore, it has been classified as a Variant of Uncertain Significance.

NM_016599.5(MYOZ2):c.358C>T (p.Pro120Ser)

Gene: MYOZ2 (myozenin 2; plus strand). Cytogenetic location: 4q26.
Variant type: single nucleotide variant.
Coding change: c.358C>T on transcript NM_016599.5 (MANE Select); coding-DNA position 358, C replaced by T.
Protein change: p.Pro120Ser; replaces proline 120 with serine.
Molecular consequence: missense variant.
Genome position (GRCh38, 1-based): chr4:119,158,133, C>T. VCF-style: chr4-119158133-C-T. GRCh37 (hg19) VCF-style: chr4-120079288-C-T.
Other names: short protein forms P120S.
Identifiers: ClinVar variation 837142 (VCV000837142.1), dbSNP rs1741625308, ClinGen allele CA358204020.